The following is an entry in ClinVar:

ClinVar aggregate classification (germline): Pathogenic (1 of 4 stars; one submission).

Conditions:
Bardet-Biedl syndrome (BBS). Identifiers: Orphanet 110, MedGen C0752166, MONDO:0015229.

Submission:

Labcorp Genetics (formerly Invitae), Labcorp
Classification: Pathogenic for Bardet-Biedl syndrome. Last evaluated: 2020-07-29. Review status: criteria provided, single submitter. Criteria: Invitae Variant Classification Sherloc (09022015). Collection method: clinical testing. Allele origin: germline.
Comment: This variant disrupts the C-terminus of the BBS10 protein. Other variant(s) that disrupt this region (p.Val707*) have been determined to be pathogenic (PMID: 25982971, 22773737). This suggests that variants that disrupt this region of the protein are likely to be causative of disease. For these reasons, this variant has been classified as Pathogenic. This variant has not been reported in the literature in individuals with BBS10-related conditions. This variant is not present in population databases (ExAC no frequency). This sequence change results in a premature translational stop signal in the BBS10 gene (p.His152Leufs*9). While this is not anticipated to result in nonsense mediated decay, it is expected to disrupt the last 572 amino acids of the BBS10 protein.

Literature cited by the submitters: PubMed 25982971; PubMed 22773737.

NM_024685.4(BBS10):c.455_456del (p.His152fs)

Gene: BBS10 (Bardet-Biedl syndrome 10; minus strand). Cytogenetic location: 12q21.2.
Variant type: Microsatellite.
Coding change: c.455_456del on transcript NM_024685.4 (MANE Select); coding-DNA positions 455 to 456, 2 bases deleted (AC; older notation c.455_456delAC).
Protein change: p.His152fs; shifts the reading frame from histidine 152.
Molecular consequence: frameshift variant.
Genome position (GRCh38, 1-based): chr12:76,347,529-76,347,530, GT deleted on the plus strand (AC on the coding strand, the reverse complement: BBS10 is on the minus strand); deleting any 2 consecutive bases within chr12:76,347,529-76,347,532 gives the same sequence; the c. name uses the placement nearest the transcript's 3' end. VCF-style (leftmost placement, unchanged base first): chr12-76347528-AGT-A. GRCh37 (hg19) VCF-style: chr12-76741308-AGT-A.
Other names: short protein forms H152fs.
Identifiers: ClinVar variation 1070972 (VCV001070972.9), dbSNP rs2136091120, ClinGen allele CA2580616819.